The following is an entry in ClinVar:

ClinVar aggregate classification (germline): Uncertain significance (1 of 4 stars; one submission).

Conditions:
Inborn genetic diseases. Identifiers: MedGen C0950123, MeSH D030342.

Submission:

Ambry Genetics
Classification: Uncertain significance for Inborn genetic diseases. Last evaluated: 2026-01-03. Review status: criteria provided, single submitter. Criteria: Ambry Variant Classification Scheme 2023. Collection method: clinical testing. Allele origin: germline.
Comment: The p.N904K variant (also known as c.2712T>A), located in coding exon 13 of the ASXL1 gene, results from a T to A substitution at nucleotide position 2712. The asparagine at codon 904 is replaced by lysine, an amino acid with similar properties. This amino acid position is conserved. In addition, this alteration is predicted to be tolerated by in silico analysis. Based on the available evidence, the clinical significance of this variant remains unclear.

NM_015338.6(ASXL1):c.2712T>A (p.Asn904Lys)

Gene: ASXL1 (ASXL transcriptional regulator 1; plus strand). Cytogenetic location: 20q11.21.
Variant type: single nucleotide variant.
Coding change: c.2712T>A on transcript NM_015338.6 (MANE Select); coding-DNA position 2712, T replaced by A.
Protein change: p.Asn904Lys; replaces asparagine 904 with lysine.
Molecular consequence: missense variant.
Genome position (GRCh38, 1-based): chr20:32,435,424, T>A. VCF-style: chr20-32435424-T-A. GRCh37 (hg19) VCF-style: chr20-31023227-T-A.
Other names: c.2529T>A, p.Asn843Lys (NM_001363734.1); short protein forms N843K, N904K.
Identifiers: ClinVar variation 4843663 (VCV004843663.1).